The following is an entry in ClinVar:

ClinVar aggregate classification (germline): Benign. Review status: criteria provided, multiple submitters, no conflicts (2 of 4 stars). 9 submissions from 9 submitters: Benign (8). 1 of the submissions does not count toward it. Last evaluated 2026-02-04.

Conditions:
Congenital microvillous atrophy (DIAR2). Also called: DAVIDSON DISEASE; MICROVILLUS ATROPHY, CONGENITAL; Microvillus inclusion disease; Diarrhea 2 with microvillus atrophy, with or without cholestasis; CONGENITAL FAMILIAL PROTRACTED DIARRHEA WITH ENTEROCYTE BRUSH-BORDER ABNORMALITIES. Identifiers: Orphanet 2290, MedGen C0341306, MONDO:0009635, OMIM 251850.

Allele frequency attached by ClinVar (database versions not stated): 1000 Genomes Project 30x 0.41115; 1000 Genomes Project 0.41134; gnomAD exomes 0.46781 and 0.53081; TOPMed 0.47317; ExAC 0.48307; gnomAD 0.48408 and 0.48893; ESP Exome Variant Server 0.51370.
gnomAD v4.1: 844,473 of 1,605,794 alleles (53%); highest among the groups gnomAD compares: Middle Eastern, 57%; 226,987 homozygotes.

Submissions (9):

Labcorp Genetics (formerly Invitae), Labcorp
Classification: Benign. Last evaluated: 2026-02-04. Review status: criteria provided, single submitter. Criteria: Invitae Variant Classification Sherloc (09022015). Collection method: clinical testing. Allele origin: germline.

Mayo Clinic Laboratories, Mayo Clinic
Classification: Benign. Last evaluated: 2022-09-06. Review status: criteria provided, single submitter. Criteria: ACMG Guidelines, 2015. Collection method: clinical testing. Allele origin: germline. Observed: 78 variant alleles.

Genome-Nilou Lab
Classification: Benign for Congenital microvillous atrophy. Last evaluated: 2021-09-05. Review status: criteria provided, single submitter. Criteria: ACMG Guidelines, 2015. Collection method: clinical testing. Allele origin: germline. Affected: no.

GeneDx
Classification: Benign. Last evaluated: 2018-11-12. Review status: criteria provided, single submitter. Criteria: GeneDx Variant Classification Process June 2021. Collection method: clinical testing. Allele origin: germline. Affected: yes.

Illumina Laboratory Services, Illumina
Classification: Benign for Congenital microvillous atrophy. Last evaluated: 2018-01-13. Review status: criteria provided, single submitter. Criteria: ICSL Variant Classification Criteria 13 December 2019. Collection method: clinical testing. Allele origin: germline.
Comment: This variant was observed in the ICSL laboratory as part of a predisposition screen in an ostensibly healthy population. It had not been previously curated by ICSL or reported in the Human Gene Mutation Database (HGMD: prior to June 1st, 2018), and was therefore a candidate for classification through an automated scoring system. Utilizing variant allele frequency, disease prevalence and penetrance estimates, and inheritance mode, an automated score was calculated to assess if this variant is too frequent to cause the disease. Based on the score and internal cut-off values, a variant classified as benign is not then subjected to further curation. The score for this variant resulted in a classification of benign for this disease.

Laboratory for Molecular Medicine, Mass General Brigham Personalized Medicine
Classification: Benign. Last evaluated: 2016-03-28. Review status: criteria provided, single submitter. Criteria: LMM Criteria. Collection method: clinical testing. Allele origin: germline.
Comment: Variant identified in a genome or exome case(s) and assessed due to predicted null impact of the variant or pathogenic assertions in the literature or databases. Disclaimer: This variant has not undergone full assessment. The following are preliminary notes: Frequency

Genome Diagnostics Laboratory, University Medical Center Utrecht
Classification: Benign for Congenital microvillous atrophy. Last evaluated: 2014-10-10. Review status: criteria provided, single submitter. Criteria: ACGS Guidelines, 2013. Collection method: clinical testing. Allele origin: germline. Affected: yes. Study: VKGL Data-share Consensus.

Breakthrough Genomics
Classification: Benign. Review status: criteria provided, single submitter. Criteria: ACMG Guidelines, 2015. Collection method: not provided. Allele origin: germline. Inheritance: Autosomal recessive inheritance. Affected: yes.

Diagnostic Laboratory, Department of Genetics, University Medical Center Groningen
Classification: Benign for Congenital microvillous atrophy. Review status: no assertion criteria provided. Collection method: clinical testing. Allele origin: germline. Affected: yes. Study: VKGL Data-share Consensus. Not counted in ClinVar's aggregate classification.

NM_001080467.3(MYO5B):c.2049G>A (p.Val683=)

Gene: MYO5B (myosin VB; minus strand). Cytogenetic location: 18q21.1.
Variant type: single nucleotide variant.
Coding change: c.2049G>A on transcript NM_001080467.3 (MANE Select); coding-DNA position 2049, G replaced by A.
Protein change: p.Val683=; no amino-acid change (valine 683 retained).
Molecular consequence: synonymous variant.
Genome position (GRCh38, 1-based): chr18:49,929,553, C>T on the plus strand (G>A on the coding strand, the complement: MYO5B is on the minus strand). VCF-style: chr18-49929553-C-T. GRCh37 (hg19) VCF-style: chr18-47455923-C-T.
Other names: p.Val683=.
Identifiers: ClinVar variation 327053 (VCV000327053.24), dbSNP rs2298628, ClinGen allele CA8961247.